The following is an entry in ClinVar:

ClinVar aggregate classification (germline): Uncertain significance (1 of 4 stars; one submission).

Submission:

Labcorp Genetics (formerly Invitae), Labcorp
Classification: Uncertain significance. Last evaluated: 2024-07-31. Review status: criteria provided, single submitter. Criteria: Invitae Variant Classification Sherloc (09022015). Collection method: clinical testing. Allele origin: germline.
Comment: This sequence change replaces glutamic acid, which is acidic and polar, with glutamine, which is neutral and polar, at codon 970 of the SUCO protein (p.Glu970Gln). This variant is not present in population databases (gnomAD no frequency). This variant has not been reported in the literature in individuals affected with SUCO-related conditions. An algorithm developed to predict the effect of missense changes on protein structure and function (PolyPhen-2) suggests that this variant is likely to be disruptive. In summary, the available evidence is currently insufficient to determine the role of this variant in disease. Therefore, it has been classified as a Variant of Uncertain Significance.

NM_014283.5(SUCO):c.2908G>C (p.Glu970Gln)

Gene: SUCO (SUN domain containing ossification factor; plus strand). Cytogenetic location: 1q24.3.
Variant type: single nucleotide variant.
Coding change: c.2908G>C on transcript NM_014283.5 (MANE Select); coding-DNA position 2908, G replaced by C.
Protein change: p.Glu970Gln; replaces glutamic acid 970 with glutamine.
Molecular consequence: missense variant.
Genome position (GRCh38, 1-based): chr1:172,591,066, G>C. VCF-style: chr1-172591066-G-C. GRCh37 (hg19) VCF-style: chr1-172560206-G-C.
Other names: c.3361G>C, p.Glu1121Gln (NM_016227.4); c.1795G>C, p.Glu599Gln (NM_001282750.2); c.1219G>C, p.Glu407Gln (NM_001282751.2); short protein forms E599Q, E1121Q, E970Q, E407Q.
Identifiers: ClinVar variation 3661004 (VCV003661004.2).
Genomic context (GRCh38, chr1:172,591,066, plus strand): 5'-ATGCAAAAGGCTTTCAATAAAACAATCGTGAAACTTCAGAATACTTCAAGAATAGCAGAG[G>C]AGCAGGTTGGTTTCTACATCCCTTATTTACTTTTTATATAAATTTCCACTGAATTCTGTA-3'
Protein context (NP_055098.1, residues 960-980): KLQNTSRIAE[Glu970Gln]QDQRQTEAIQ